The following is an entry in ClinVar:

NM_000123.4(ERCC5):c.3438C>A (p.Ser1146Arg)

Genes: BIVM-ERCC5 (BIVM-ERCC5 readthrough; plus strand), ERCC5 (ERCC excision repair 5, endonuclease; plus strand). Cytogenetic location: 13q33.1.
Variant type: single nucleotide variant.
Coding change: c.3438C>A on transcript NM_000123.4 (MANE Select); coding-DNA position 3438, C replaced by A.
Protein change: p.Ser1146Arg; replaces serine 1146 with arginine.
Molecular consequence: missense variant.
Genome position (GRCh38, 1-based): chr13:102,875,780, C>A. VCF-style: chr13-102875780-C-A. GRCh37 (hg19) VCF-style: chr13-103528130-C-A.
Other names: c.4800C>A, p.Ser1600Arg (NM_001204425.2); short protein forms S1146R, S1600R.
Identifiers: ClinVar variation 883508 (VCV000883508.6), dbSNP rs770177920, ClinGen allele CA7041899.
Genomic context (GRCh38, chr13:102,875,780, plus strand): 5'-TTCAGATTCGCAGAACTCAGTGAAGGAAGCTCCCGTGAAGAATGGAGGTGCGACCACCAG[C>A]AGCTCTAGTGATAGTGATGACGATGGAGGGAAAGAGAAGATGGTCCTCGTGACCGCCAGA-3'
Protein context (NP_000114.3, residues 1136-1156): APVKNGGATT[Ser1146Arg]SSSDSDDDGG

ClinVar aggregate classification (germline): Uncertain significance. Review status: criteria provided, multiple submitters, no conflicts (2 of 4 stars). 3 submissions from 3 submitters: Uncertain significance (3). Last evaluated 2025-08-29.

Conditions:
Xeroderma pigmentosum, group G (XPG). Also called: XERODERMA PIGMENTOSUM VII; XP, GROUP G; Xeroderma pigmentosum type 7; ERCC5-Related Xeroderma Pigmentosum. Identifiers: MedGen C0268141, MONDO:0010216, OMIM 278780.
Inborn genetic diseases. Identifiers: MedGen C0950123, MeSH D030342.
Cerebrooculofacioskeletal syndrome 3 (COFS3). Identifiers: MedGen C1851443, MONDO:0014696, OMIM 616570.

Allele frequency attached by ClinVar (database versions not stated): gnomAD exomes below 0.00001 and 0.00002; ExAC 0.00001.

Submissions (3):

Ambry Genetics
Classification: Uncertain significance for Inborn genetic diseases. Last evaluated: 2025-08-29. Review status: criteria provided, single submitter. Criteria: Ambry Variant Classification Scheme 2023. Collection method: clinical testing. Allele origin: germline.

Baylor Genetics
Classification: Uncertain significance for Cerebrooculofacioskeletal syndrome 3. Last evaluated: 2020-06-23. Review status: criteria provided, single submitter. Criteria: ACMG Guidelines, 2015. Collection method: clinical testing. Allele origin: unknown. Affected: yes. Study: CSER-TexasKidsCanSeq.
Comment: This variant was determined to be of uncertain significance according to ACMG Guidelines, 2015 [PMID:25741868].

Illumina Laboratory Services, Illumina
Classification: Uncertain significance for Xeroderma pigmentosum, group G. Last evaluated: 2018-01-13. Review status: criteria provided, single submitter. Criteria: ICSL Variant Classification Criteria 13 December 2019. Collection method: clinical testing. Allele origin: germline.